The following is an entry in ClinVar:

ClinVar aggregate classification (germline): Benign (0 of 4 stars; one submission).

Conditions:
DCHS2-related disorder. Also called: DCHS2-related condition.

Allele frequency attached by ClinVar (database versions not stated): TOPMed 0.00016; gnomAD 0.00063; ExAC 0.00203; 1000 Genomes Project 30x 0.00281; 1000 Genomes Project 0.00319.
gnomAD v4.1: 1,478 of 1,613,708 alleles (0.092%); highest among the groups gnomAD compares: South Asian, 1.5%; 21 homozygotes.

Submission:

PreventionGenetics, part of Exact Sciences
Classification: Benign for DCHS2-related condition. Last evaluated: 2019-05-28. Review status: no assertion criteria provided. Collection method: clinical testing. Allele origin: germline.
Comment: This variant is classified as benign based on ACMG/AMP sequence variant interpretation guidelines (Richards et al. 2015 PMID: 25741868, with internal and published modifications).

NM_001358235.2(DCHS2):c.6822C>T (p.Asn2274=)

Genes: DCHS2 (dachsous cadherin-related 2; minus strand), DCHS2-AS1 (DCHS2 antisense RNA 1; plus strand). Cytogenetic location: 4q31.3.
Variant type: single nucleotide variant.
Coding change: c.6822C>T on transcript NM_001358235.2 (MANE Select); coding-DNA position 6822, C replaced by T.
Protein change: p.Asn2274=; no amino-acid change (asparagine 2274 retained).
Molecular consequence: synonymous variant.
Genome position (GRCh38, 1-based): chr4:154,255,638, G>A on the plus strand (C>T on the coding strand, the complement: DCHS2 is on the minus strand). VCF-style: chr4-154255638-G-A. GRCh37 (hg19) VCF-style: chr4-155176790-G-A.
Identifiers: ClinVar variation 3039018 (VCV003039018.2), dbSNP rs200803727, ClinGen allele CA3112294.